The following is an entry in ClinVar:

NM_004655.4(AXIN2):c.403T>A (p.Tyr135Asn)

Gene: AXIN2 (axin 2; minus strand). Cytogenetic location: 17q24.1.
Variant type: single nucleotide variant.
Coding change: c.403T>A on transcript NM_004655.4 (MANE Select); coding-DNA position 403, T replaced by A.
Protein change: p.Tyr135Asn; replaces tyrosine 135 with asparagine.
Molecular consequence: missense variant.
Genome position (GRCh38, 1-based): chr17:65,558,218, A>T on the plus strand (T>A on the coding strand, the complement: AXIN2 is on the minus strand). VCF-style: chr17-65558218-A-T. GRCh37 (hg19) VCF-style: chr17-63554336-A-T.
Other names: c.403T>A (LRG_296t1); c.403T>A, p.Tyr135Asn (NM_001363813.1); short protein forms Y135N.
Identifiers: ClinVar variation 571286 (VCV000571286.10), dbSNP rs144607215, ClinGen allele CA293107207.

ClinVar aggregate classification (germline): Uncertain significance. Review status: criteria provided, multiple submitters, no conflicts (2 of 4 stars). 3 submissions from 3 submitters: Uncertain significance (3). Last evaluated 2024-09-15.

Conditions:
Hereditary cancer-predisposing syndrome. Also called: Hereditary neoplastic syndrome; Tumor predisposition; Neoplastic Syndromes, Hereditary; Hereditary Cancer Syndrome. Identifiers: Orphanet 140162, MedGen C0027672, MeSH D009386, MONDO:0015356.
Oligodontia-cancer predisposition syndrome. Also called: TOOTH AGENESIS-COLORECTAL CANCER SYNDROME. Identifiers: Orphanet 300576, MedGen C1837750, MONDO:0012075, OMIM 608615. Disease mechanism: loss of function.

Allele frequency attached by ClinVar (database versions not stated): gnomAD exomes below 0.00001; TOPMed below 0.00001; ESP Exome Variant Server 0.00008.

Submissions (3):

Ambry Genetics
Classification: Uncertain significance for Hereditary cancer-predisposing syndrome. Last evaluated: 2024-09-15. Review status: criteria provided, single submitter. Criteria: Ambry Variant Classification Scheme 2023. Collection method: clinical testing. Allele origin: germline.
Comment: The p.Y135N variant (also known as c.403T>A), located in coding exon 1 of the AXIN2 gene, results from a T to A substitution at nucleotide position 403. The tyrosine at codon 135 is replaced by asparagine, an amino acid with dissimilar properties. This amino acid position is conserved. In addition, the in silico prediction for this alteration is inconclusive. Based on the available evidence, the clinical significance of this variant remains unclear.

GeneDx
Classification: Uncertain significance. Last evaluated: 2023-02-01. Review status: criteria provided, single submitter. Criteria: GeneDx Variant Classification Process June 2021. Collection method: clinical testing. Allele origin: germline. Affected: yes.
Comment: Not observed at significant frequency in large population cohorts (gnomAD); In silico analysis supports that this missense variant has a deleterious effect on protein structure/function; Has not been previously published as pathogenic or benign to our knowledge; This variant is associated with the following publications: (PMID: 15735151)

Labcorp Genetics (formerly Invitae), Labcorp
Classification: Uncertain significance for Oligodontia-cancer predisposition syndrome. Last evaluated: 2018-03-05. Review status: criteria provided, single submitter. Criteria: Invitae Variant Classification Sherloc (09022015). Collection method: clinical testing. Allele origin: germline.
Comment: Algorithms developed to predict the effect of missense changes on protein structure and function do not agree on the potential impact of this missense change (SIFT: "Deleterious"; PolyPhen-2: "Probably Damaging"; Align-GVGD: "Class C0"). This variant has not been reported in the literature in individuals with AXIN2-related disease. This variant is not present in population databases (ExAC no frequency). This sequence change replaces tyrosine with asparagine at codon 135 of the AXIN2 protein (p.Tyr135Asn). The tyrosine residue is highly conserved and there is a large physicochemical difference between tyrosine and asparagine. In summary, the available evidence is currently insufficient to determine the role of this variant in disease. Therefore, it has been classified as a Variant of Uncertain Significance.